The following is an entry in ClinVar:

NM_001005242.3(PKP2):c.643G>A (p.Asp215Asn)

Gene: PKP2 (plakophilin 2; minus strand). Cytogenetic location: 12p11.21.
Variant type: single nucleotide variant.
Coding change: c.643G>A on transcript NM_001005242.3 (MANE Select); coding-DNA position 643, G replaced by A.
Protein change: p.Asp215Asn; replaces aspartic acid 215 with asparagine.
Molecular consequence: missense variant.
Genome position (GRCh38, 1-based): chr12:32,878,237, C>T on the plus strand (G>A on the coding strand, the complement: PKP2 is on the minus strand). VCF-style: chr12-32878237-C-T. GRCh37 (hg19) VCF-style: chr12-33031171-C-T.
Other names: c.643G>A, p.Asp215Asn (NM_001407155.1, NM_001407156.1, NM_001407157.1 and 2 more transcripts); c.316G>A, p.Asp106Asn (NM_001407158.1, NM_001407159.1, NM_001407160.1 and 1 more transcripts); short protein forms D106N, D215N.
Identifiers: ClinVar variation 4845110 (VCV004845110.1).

ClinVar aggregate classification (germline): Uncertain significance (1 of 4 stars; one submission).

Conditions:
Cardiovascular phenotype. Identifiers: MedGen CN230736.

Submission:

Ambry Genetics
Classification: Uncertain significance for Cardiovascular phenotype. Last evaluated: 2026-01-15. Review status: criteria provided, single submitter. Criteria: Ambry Variant Classification Scheme 2023. Collection method: clinical testing. Allele origin: germline.
Comment: The p.D215N variant (also known as c.643G>A), located in coding exon 3 of the PKP2 gene, results from a G to A substitution at nucleotide position 643. The aspartic acid at codon 215 is replaced by asparagine, an amino acid with highly similar properties. This variant has been detected in an individual with idiopathic ventricular fibrillation (Visser M et al. Heart Rhythm, 2017 Jul;14:1035-1040). This amino acid position is highly conserved in available vertebrate species. In addition, this alteration is predicted to be tolerated by in silico analysis. Based on the available evidence, the clinical significance of this variant remains unclear.

Literature cited by the submitters: PubMed 28087426.